The following is an entry in ClinVar:

NM_198578.4(LRRK2):c.1379_1388del (p.Glu460fs)

Gene: LRRK2 (leucine rich repeat kinase 2; plus strand). Cytogenetic location: 12q12.
Variant type: Deletion.
Coding change: c.1379_1388del on transcript NM_198578.4 (MANE Select); coding-DNA positions 1379 to 1388, 10 bases deleted (AAAGTGGCTG; older notation c.1379_1388delAAAGTGGCTG).
Protein change: p.Glu460fs; shifts the reading frame from glutamic acid 460.
Molecular consequence: frameshift variant.
Genome position (GRCh38, 1-based): chr12:40,257,338-40,257,347, AAAGTGGCTG deleted; deleting any 10 consecutive bases within chr12:40,257,329-40,257,347 gives the same sequence; the c. name uses the placement nearest the transcript's 3' end. VCF-style (leftmost placement, unchanged base first): chr12-40257328-GAAGTGGCTGA-G. GRCh37 (hg19) VCF-style: chr12-40651130-GAAGTGGCTGA-G.
Other names: short protein forms E460fs.
Identifiers: ClinVar variation 1353381 (VCV001353381.6), dbSNP rs1429161625, ClinGen allele CA688742114.

ClinVar aggregate classification (germline): Uncertain significance (1 of 4 stars; one submission).

Conditions:
Autosomal dominant Parkinson disease 8. Also called: Parkinson disease 8, susceptibility to; LRRK2-Related Parkinson Disease; Parkinson disease 8. Identifiers: Orphanet 411602, MedGen C1846862, MONDO:0011764, OMIM 607060.

Submission:

Labcorp Genetics (formerly Invitae), Labcorp
Classification: Uncertain significance for Autosomal dominant Parkinson disease 8. Last evaluated: 2021-09-03. Review status: criteria provided, single submitter. Criteria: Invitae Variant Classification Sherloc (09022015). Collection method: clinical testing. Allele origin: germline.
Comment: This sequence change creates a premature translational stop signal (p.Glu460Valfs*4) in the LRRK2 gene. It is expected to result in an absent or disrupted protein product. However, the current clinical and genetic evidence is not sufficient to establish whether loss-of-function variants in LRRK2 cause disease. This variant is not present in population databases (ExAC no frequency). This premature translational stop signal has been observed in individual(s) with Parkinson disease (Invitae). In summary, the available evidence is currently insufficient to determine the role of this variant in disease. Therefore, it has been classified as a Variant of Uncertain Significance.